The following is an entry in ClinVar:

NM_003072.5(SMARCA4):c.2001G>A (p.Glu667=)

Gene: SMARCA4 (SWI/SNF related BAF chromatin remodeling complex subunit ATPase 4; plus strand). Cytogenetic location: 19p13.2.
Variant type: single nucleotide variant.
Coding change: c.2001G>A on transcript NM_003072.5 (MANE Select); coding-DNA position 2001, G replaced by A.
Protein change: p.Glu667=; no amino-acid change (glutamic acid 667 retained).
Molecular consequence: synonymous variant. On other transcripts: non-coding transcript variant (1).
Genome position (GRCh38, 1-based): chr19:11,003,397, G>A. VCF-style: chr19-11003397-G-A. GRCh37 (hg19) VCF-style: chr19-11114073-G-A.
Other names: c.2001G>A, p.Glu667= (NM_001128844.3, NM_001128845.2, NM_001128846.2 and 4 more transcripts).
Identifiers: ClinVar variation 820517 (VCV000820517.9), dbSNP rs1600136048, ClinGen allele CA505486504.

ClinVar aggregate classification (germline): Uncertain significance. Review status: criteria provided, multiple submitters, no conflicts (2 of 4 stars). 2 submissions from 2 submitters: Uncertain significance (2). Last evaluated 2022-10-13.

Conditions:
Hereditary cancer-predisposing syndrome. Also called: Neoplastic Syndromes, Hereditary; Tumor predisposition; Hereditary Cancer Syndrome; Hereditary neoplastic syndrome. Identifiers: Orphanet 140162, MedGen C0027672, MeSH D009386, MONDO:0015356.
Rhabdoid tumor predisposition syndrome 2 (RTPS2). Identifiers: Orphanet 231108, Orphanet 69077, MedGen C2750074, MONDO:0013224, OMIM 613325.

Submissions (2):

Labcorp Genetics (formerly Invitae), Labcorp
Classification: Uncertain significance for Rhabdoid tumor predisposition syndrome 2. Last evaluated: 2022-10-13. Review status: criteria provided, single submitter. Criteria: Invitae Variant Classification Sherloc (09022015). Collection method: clinical testing. Allele origin: germline.
Comment: In summary, the available evidence is currently insufficient to determine the role of this variant in disease. Therefore, it has been classified as a Variant of Uncertain Significance. Variants that disrupt the consensus splice site are a relatively common cause of aberrant splicing (PMID: 17576681, 9536098). Algorithms developed to predict the effect of sequence changes on RNA splicing suggest that this variant is not likely to affect RNA splicing. ClinVar contains an entry for this variant (Variation ID: 820517). This variant has not been reported in the literature in individuals affected with SMARCA4-related conditions. This variant is not present in population databases (gnomAD no frequency). This sequence change affects codon 667 of the SMARCA4 mRNA. It is a 'silent' change, meaning that it does not change the encoded amino acid sequence of the SMARCA4 protein. This variant also falls at the last nucleotide of exon 13, which is part of the consensus splice site for this exon.

Ambry Genetics
Classification: Uncertain significance for Hereditary cancer-predisposing syndrome. Last evaluated: 2022-01-03. Review status: criteria provided, single submitter. Criteria: Ambry Variant Classification Scheme 2023. Collection method: clinical testing. Allele origin: germline.
Comment: The c.2001G>A (p.E667E) alteration is located in exon 13 (coding exon 12) of the SMARCA4 gene. This alteration consists of a G to A substitution at nucleotide position 2001. This nucleotide substitution does not change the amino acid at codon 667. However, this change occurs in the last nucleotide of Exon 13 (c.1944_2001) which makes it likely to have some effect on normal mRNA splicing. Based on insufficient or conflicting evidence, the clinical significance of this alteration remains unclear.

Literature cited by the submitters: PubMed 17576681 (cited by Labcorp Genetics (formerly Invitae), Labcorp); PubMed 9536098 (cited by Labcorp Genetics (formerly Invitae), Labcorp).